The following is an entry in ClinVar:

ClinVar aggregate classification (germline): Uncertain significance (1 of 4 stars; one submission).

Submission:

Labcorp Genetics (formerly Invitae), Labcorp
Classification: Uncertain significance. Last evaluated: 2023-08-04. Review status: criteria provided, single submitter. Criteria: Invitae Variant Classification Sherloc (09022015). Collection method: clinical testing. Allele origin: germline.
Comment: In summary, the available evidence is currently insufficient to determine the role of this variant in disease. Therefore, it has been classified as a Variant of Uncertain Significance. Advanced modeling of protein sequence and biophysical properties (such as structural, functional, and spatial information, amino acid conservation, physicochemical variation, residue mobility, and thermodynamic stability) performed at Invitae indicates that this missense variant is expected to disrupt PROM1 protein function. This sequence change replaces alanine, which is neutral and non-polar, with glutamic acid, which is acidic and polar, at codon 509 of the PROM1 protein (p.Ala509Glu). This variant is not present in population databases (gnomAD no frequency). This variant has not been reported in the literature in individuals affected with PROM1-related conditions. ClinVar contains an entry for this variant (Variation ID: 1439082).

NM_006017.3(PROM1):c.1526C>A (p.Ala509Glu)

Gene: PROM1 (prominin 1; minus strand). Cytogenetic location: 4p15.32.
Variant type: single nucleotide variant.
Coding change: c.1526C>A on transcript NM_006017.3 (MANE Select); coding-DNA position 1526, C replaced by A.
Protein change: p.Ala509Glu; replaces alanine 509 with glutamic acid.
Molecular consequence: missense variant.
Genome position (GRCh38, 1-based): chr4:16,000,548, G>T on the plus strand (C>A on the coding strand, the complement: PROM1 is on the minus strand). VCF-style: chr4-16000548-G-T. GRCh37 (hg19) VCF-style: chr4-16002171-G-T.
Other names: c.1499C>A, p.Ala500Glu (NM_001145847.2, NM_001145848.2, NM_001145851.2 and 4 more transcripts); c.1526C>A, p.Ala509Glu (NM_001145849.2, NM_001145850.2); short protein forms A500E, A509E.
Identifiers: ClinVar variation 1439082 (VCV001439082.8), dbSNP rs2149187758, ClinGen allele CA356433158.
Genomic context (GRCh38, chr4:16,000,548, plus strand): 5'-ATATTTACCCGGAATAATTCCTTGCTCGTGTAAGGTTCACAGATCAGTTTTTCCACATTT[G>T]CACCAAAGACAAAGGTAAGAACCACAATGATCATCAATATCCAGCAAAAGAGGAAACTTA-3'
Protein context (NP_006008.1, residues 499-519): IIVVLTFVFG[Ala509Glu]NVEKLICEPY